The following is an entry in ClinVar:

NM_000222.3(KIT):c.2633A>T (p.Lys878Met)

Gene: KIT (KIT proto-oncogene, receptor tyrosine kinase; plus strand). Cytogenetic location: 4q12.
Variant type: single nucleotide variant.
Coding change: c.2633A>T on transcript NM_000222.3 (MANE Select); coding-DNA position 2633, A replaced by T.
Protein change: p.Lys878Met; replaces lysine 878 with methionine.
Molecular consequence: missense variant.
Genome position (GRCh38, 1-based): chr4:54,736,757, A>T. VCF-style: chr4-54736757-A-T. GRCh37 (hg19) VCF-style: chr4-55602923-A-T.
Other names: c.2621A>T, p.Lys874Met (NM_001385292.1, NM_001093772.2); c.2636A>T, p.Lys879Met (NM_001385284.1); c.2630A>T, p.Lys877Met (NM_001385285.1); c.2618A>T, p.Lys873Met (NM_001385286.1); c.2624A>T, p.Lys875Met (NM_001385288.1); c.2633A>T, p.Lys878Met (NM_001385290.1); short protein forms K875M, K877M, K873M, K874M, K878M, K879M.
Identifiers: ClinVar variation 4735098 (VCV004735098.1).
Genomic context (GRCh38, chr4:54,736,757, plus strand): 5'-ACTGCTTTGCAAACTGTGTCTCAGGAAGCAGCCCCTATCCTGGAATGCCGGTCGATTCTA[A>T]GTTCTACAAGATGATCAAGGAAGGCTTCCGGATGCTCAGCCCTGAACACGCACCTGCTGA-3'
Protein context (NP_000213.1, residues 868-888): SPYPGMPVDS[Lys878Met]FYKMIKEGFR

ClinVar aggregate classification (germline): Uncertain significance (1 of 4 stars; one submission).

Conditions:
Gastrointestinal stromal tumor. Also called: Gastrointestinal stromal tumor, somatic; Gastrointestinal stroma tumor. Identifiers: Orphanet 44890, MedGen C0238198, MeSH D046152, MONDO:0011719, OMIM 606764, HP:0100723.

Submission:

Labcorp Genetics (formerly Invitae), Labcorp
Classification: Uncertain significance for Gastrointestinal stromal tumor. Last evaluated: 2026-01-11. Review status: criteria provided, single submitter. Criteria: Invitae Variant Classification Sherloc (09022015). Collection method: clinical testing. Allele origin: germline.
Comment: This sequence change replaces lysine, which is basic and polar, with methionine, which is neutral and non-polar, at codon 878 of the KIT protein (p.Lys878Met). This variant is not present in population databases (gnomAD no frequency). This variant has not been reported in the literature in individuals affected with KIT-related conditions. An algorithm developed to predict the effect of missense changes on protein structure and function (PolyPhen-2) suggests that this variant is likely to be disruptive. In summary, the available evidence is currently insufficient to determine the role of this variant in disease. Therefore, it has been classified as a Variant of Uncertain Significance.